The following is an entry in ClinVar:

NM_194454.3(KRIT1):c.1001T>C (p.Val334Ala)

Gene: KRIT1 (KRIT1 ankyrin repeat containing; minus strand). Cytogenetic location: 7q21.2.
Variant type: single nucleotide variant.
Coding change: c.1001T>C on transcript NM_194454.3 (MANE Select); coding-DNA position 1001, T replaced by C.
Protein change: p.Val334Ala; replaces valine 334 with alanine.
Molecular consequence: missense variant.
Genome position (GRCh38, 1-based): chr7:92,226,671, A>G on the plus strand (T>C on the coding strand, the complement: KRIT1 is on the minus strand). VCF-style: chr7-92226671-A-G. GRCh37 (hg19) VCF-style: chr7-91855985-A-G.
Other names: c.857T>C, p.Val286Ala (NM_001013406.2, NM_001350669.1, NM_001350670.1); c.287T>C, p.Val96Ala (NM_001350671.1); c.1001T>C, p.Val334Ala (NM_001350672.1, NM_001350673.1, NM_001350674.1 and 26 more transcripts); short protein forms V286A, V334A, V96A.
Identifiers: ClinVar variation 3370840 (VCV003370840.1).
Genomic context (GRCh38, chr7:92,226,671, plus strand): 5'-TGTCCATTTAAAAGGTTTGGATTGCACTTTCCTTTCTCTAACAATATGCGAGTGGCCTCA[A>G]CTTTTCCATACCTGTATAAAAAAACAAACAAACAAAAAACAACAACAAAAAAAACTTACC-3'
Protein context (NP_919436.1, residues 324-344): PIHYACWYGK[Val334Ala]EATRILLEKG

ClinVar aggregate classification (germline): Uncertain significance (1 of 4 stars; one submission).

Submission:

GeneDx
Classification: Uncertain significance. Last evaluated: 2024-03-12. Review status: criteria provided, single submitter. Criteria: GeneDx Variant Classification Process June 2021. Collection method: clinical testing. Allele origin: germline. Affected: yes.
Comment: Not observed at significant frequency in large population cohorts (gnomAD); In silico analysis supports that this missense variant does not alter protein structure/function; Has not been previously published as pathogenic or benign to our knowledge